The following is an entry in ClinVar:

ClinVar aggregate classification (germline): Pathogenic (1 of 4 stars; one submission).

Conditions:
Cardiovascular phenotype. Identifiers: MedGen CN230736.

Allele frequency attached by ClinVar (database versions not stated): gnomAD exomes below 0.00001.
gnomAD v4.1: 1 of 1,573,758 alleles (0.000064%); highest among the groups gnomAD compares: Non-Finnish European, 0.000086%; no homozygotes.

Submission:

Ambry Genetics
Classification: Pathogenic for Cardiovascular phenotype. Last evaluated: 2022-02-04. Review status: criteria provided, single submitter. Criteria: Ambry Variant Classification Scheme 2023. Collection method: clinical testing. Allele origin: germline.
Comment: The p.G246* pathogenic mutation (also known as c.736G>T), located in coding exon 8 of the TECRL gene, results from a G to T substitution at nucleotide position 736. This changes the amino acid from a glycine to a stop codon within coding exon 8. This variant is considered to be rare based on population cohorts in the Genome Aggregation Database (gnomAD). This alteration is expected to result in loss of function by premature protein truncation or nonsense-mediated mRNA decay. As such, this alteration is interpreted as a disease-causing mutation.

NM_001010874.5(TECRL):c.736G>T (p.Gly246Ter)

Gene: TECRL (trans-2,3-enoyl-CoA reductase like; minus strand). Cytogenetic location: 4q13.1.
Variant type: single nucleotide variant.
Coding change: c.736G>T on transcript NM_001010874.5 (MANE Select); coding-DNA position 736, G replaced by T.
Protein change: p.Gly246Ter; replaces glycine 246 with a stop codon.
Molecular consequence: nonsense.
Genome position (GRCh38, 1-based): chr4:64,300,012, C>A on the plus strand (G>T on the coding strand, the complement: TECRL is on the minus strand). VCF-style: chr4-64300012-C-A. GRCh37 (hg19) VCF-style: chr4-65165730-C-A.
Other names: c.736G>T, p.Gly246Ter (NM_001363796.1); short protein forms G246*.
Identifiers: ClinVar variation 1758560 (VCV001758560.2), dbSNP rs2476017155, ClinGen allele CA357049775.